The following is an entry in ClinVar:

ClinVar aggregate classification (germline): Likely pathogenic (1 of 4 stars; one submission).

Conditions:
3-methylcrotonyl-CoA carboxylase 1 deficiency (MCC1D). Also called: METHYLCROTONYLGLYCINURIA TYPE I; MCC 1 deficiency; 3 Alpha methylcrotonylglycinuria 1; MCCD TYPE 1. Identifiers: Orphanet 6, MedGen CN028786, MONDO:0008861, OMIM 210200.

Allele frequency attached by ClinVar (database versions not stated): ExAC 0.00001; gnomAD 0.00001; 1000 Genomes Project 30x 0.00016; 1000 Genomes Project 0.00020.
gnomAD v4.1: 1 of 1,614,174 alleles (0.000062%); highest among the groups gnomAD compares: South Asian, 0.0011%; no homozygotes.

Submission:

Lifecell International Pvt. Ltd
Classification: Likely pathogenic for 3-methylcrotonyl-CoA carboxylase 1 deficiency. Review status: criteria provided, single submitter. Criteria: ACMG Guidelines, 2015. Collection method: clinical testing. Allele origin: germline. Inheritance: Autosomal recessive inheritance. Affected: yes. Observed: 1 compound heterozygote.
Comment: A Heterozygous Nonsense variant c.570C>A in Exon 6 of the MCCC1 gene that results in the amino acid substitution p.Cys190* was identified. The observed variant has a minor allele frequency of 0.00000% in gnomAD exomes, respectively. The severity of the impact of this variant on the protein is high, based on the effect of the protein and REVEL score. Rare Exome Variant Ensemble Learner (REVEL) is an ensembl method for predicting the pathogenicity of missense variants based on a combination of scores from 13 individual tools: MutPred, FATHMM v2.3, VEST 3.0, PolyPhen-2, SIFT, PROVEAN, MutationAssessor, MutationTaster, LRT, GERP++, SiPhy, phyloP, and phastCons. The REVEL score for an individual missense variant can range from 0 to 1, with higher scores reflecting greater likelihood that the variant is disease-causing. Based on the above evidence this variant has been classified as Likely Pathogenic according to the ACMG guidelines.

NM_020166.5(MCCC1):c.570C>A (p.Cys190Ter)

Gene: MCCC1 (methylcrotonyl-CoA carboxylase subunit 1; minus strand). Cytogenetic location: 3q27.1.
Variant type: single nucleotide variant.
Coding change: c.570C>A on transcript NM_020166.5 (MANE Select); coding-DNA position 570, C replaced by A.
Protein change: p.Cys190Ter; replaces cysteine 190 with a stop codon.
Molecular consequence: nonsense. On other transcripts: non-coding transcript variant (2).
Genome position (GRCh38, 1-based): chr3:183,071,279, G>T on the plus strand (C>A on the coding strand, the complement: MCCC1 is on the minus strand). VCF-style: chr3-183071279-G-T. GRCh37 (hg19) VCF-style: chr3-182789067-G-T.
Other names: c.219C>A, p.Cys73Ter (NM_001293273.2); c.243C>A, p.Cys81Ter (NM_001363880.1); short protein forms C190*, C73*, C81*.
Identifiers: ClinVar variation 2502870 (VCV002502870.1), dbSNP rs537827975, ClinGen allele CA2719040.